The following is an entry in ClinVar:

ClinVar aggregate classification (germline): Uncertain significance (1 of 4 stars; one submission).

Submission:

GeneDx
Classification: Uncertain significance. Last evaluated: 2022-05-04. Review status: criteria provided, single submitter. Criteria: GeneDx Variant Classification Process June 2021. Collection method: clinical testing. Allele origin: germline. Affected: yes.
Comment: Not observed at significant frequency in large population cohorts (gnomAD); In silico analysis supports that this missense variant has a deleterious effect on protein structure/function; Has not been previously published as pathogenic or benign to our knowledge

NM_001012614.2(CTBP1):c.545C>T (p.Ala182Val)

Genes: CTBP1 (C-terminal binding protein 1; minus strand), CTBP1-AS (CTBP1 antisense RNA; plus strand). Cytogenetic location: 4p16.3.
Variant type: single nucleotide variant.
Coding change: c.545C>T on transcript NM_001012614.2 (MANE Select); coding-DNA position 545, C replaced by T.
Protein change: p.Ala182Val; replaces alanine 182 with valine.
Molecular consequence: missense variant. On other transcripts: non-coding transcript variant (1).
Genome position (GRCh38, 1-based): chr4:1,216,175, G>A on the plus strand (C>T on the coding strand, the complement: CTBP1 is on the minus strand). VCF-style: chr4-1216175-G-A. GRCh37 (hg19) VCF-style: chr4-1209963-G-A.
Other names: c.578C>T, p.Ala193Val (NM_001328.3, NM_001377186.1); c.545C>T, p.Ala182Val (NM_001377187.1, NM_001377188.1, NM_001377189.1 and 4 more transcripts); short protein forms A182V, A193V.
Identifiers: ClinVar variation 1722883 (VCV001722883.2), dbSNP rs2535050654, ClinGen allele CA355949278.